The following continues an entry in ClinVar:

NM_000371.4(TTR):c.424G>A (p.Val142Ile)

Gene: TTR. ClinVar aggregate classification (germline): Pathogenic/Likely pathogenic. Pathogenic (40); Likely pathogenic (3).

Submissions 45 to 54 of 54:

Reproductive Health Research and Development, BGI Genomics
Classification: Pathogenic for Amyloidosis, hereditary, transthyretin-related. Last evaluated: 2020-01-06. Review status: no assertion criteria provided. Collection method: curation. Allele origin: germline. Not counted in ClinVar's aggregate classification.
Comment: NM_000371.3:c.424G>A (p.Val142Ile) was reported as Val122Ile in the TTR gene, and it has an allele frequency of 0.016 in African subpopulation in the gnomAD database. Functional studies demonstrate that Val122Ile affect TTR protein function (PMID: 18276611). V122I variant is the most common amyloidogenic mutation worldwide, associated with familial amyloidotic cardiomyopathy in individuals of African descent. It is estimated that 4% of African Americans are heterozygous for the V122I variant, with an age of onset at around 60 years of age (PMID: 18276611). Pathogenic computational verdict because pathogenic predictions from DANN, EIGEN, FATHMM-MKL, MVP, MutationAssessor, MutationTaster, PrimateAI, REVEL and SIFT. Taken together, we interprete this variant as Pathogenic/Likely pathogenic. ACMG/AMP criteria applied: PS3; PS4; PP4; PP3

Gharavi Laboratory, Columbia University
Classification: Pathogenic. Last evaluated: 2018-09-16. Review status: no assertion criteria provided. Criteria: ACMG Guidelines, 2015. Collection method: research. Allele origin: germline. Affected: yes. Not counted in ClinVar's aggregate classification.

OMIM
Classification: Pathogenic for AMYLOIDOSIS, HEREDITARY SYSTEMIC 1. Last evaluated: 2015-01-01. Review status: no assertion criteria provided. Collection method: literature only. Allele origin: germline. Not counted in ClinVar's aggregate classification.

Clinical Genetics DNA and cytogenetics Diagnostics Lab, Erasmus MC, Erasmus Medical Center
Classification: Pathogenic. Review status: no assertion criteria provided. Collection method: clinical testing. Allele origin: germline. Affected: yes. Study: VKGL Data-share Consensus. Not counted in ClinVar's aggregate classification.

Clinical Genetics, Academic Medical Center
Classification: Pathogenic. Review status: no assertion criteria provided. Collection method: clinical testing. Allele origin: germline. Affected: yes. Study: VKGL Data-share Consensus. Not counted in ClinVar's aggregate classification.

Diagnostic Laboratory, Department of Genetics, University Medical Center Groningen
Classification: Pathogenic. Review status: no assertion criteria provided. Collection method: clinical testing. Allele origin: germline. Affected: yes. Study: VKGL Data-share Consensus. Not counted in ClinVar's aggregate classification.

Genome Diagnostics Laboratory, University Medical Center Utrecht
Classification: Pathogenic. Review status: no assertion criteria provided. Collection method: clinical testing. Allele origin: germline. Affected: yes. Study: VKGL Data-share Consensus. Not counted in ClinVar's aggregate classification.

Joint Genome Diagnostic Labs from Nijmegen and Maastricht, Radboudumc and MUMC+
Classification: Pathogenic. Review status: no assertion criteria provided. Collection method: clinical testing. Allele origin: germline. Affected: yes. Study: VKGL Data-share Consensus. Not counted in ClinVar's aggregate classification.

Laboratory of Diagnostic Genome Analysis, Leiden University Medical Center (LUMC)
Classification: Pathogenic. Review status: no assertion criteria provided. Collection method: clinical testing. Allele origin: germline. Affected: yes. Study: VKGL Data-share Consensus. Not counted in ClinVar's aggregate classification.

Practice for Gait Abnormalities, David Pomarino, Competency Network Toe Walking C/o Practice Pomarino
Classification: Likely pathogenic for Tip-toe gait. Last evaluated: 2022-12-19. Review status: flagged submission. Collection method: clinical testing. Allele origin: germline. Affected: yes. Not counted in ClinVar's aggregate classification.
ClinVar note: Notes: This gene has insufficient supporting evidence for isolated Tip-Toe Gait.
ClinVar note: Reason: Claim with insufficient supporting evidence

Literature cited by the submitters: PubMed 12050338 (cited by 4 submitters); PubMed 19781421 (cited by 7 submitters); PubMed 22745357 (cited by 4 submitters); PubMed 24184229 (cited by 8 submitters); PubMed 25846356 (cited by 4 submitters); PubMed 20435197 (cited by 7 submitters); PubMed 22877808 (cited by 5 submitters); PubMed 15820680 (cited by 6 submitters); PubMed 17503405 (cited by 7 submitters); PubMed 18276611 (cited by 5 submitters); PubMed 10211412 (cited by 3billion); PubMed 34461737 (cited by 4 submitters); PubMed 2349941 (cited by 5 submitters); PubMed 30683924 (cited by 3billion); PubMed 17251346 (cited by Ambry Genetics); PubMed 1979335 (cited by Rady Children's Institute for Genomic Medicine, Rady Children's Hospital San Diego); PubMed 3032328 (cited by Rady Children's Institute for Genomic Medicine, Rady Children's Hospital San Diego); PubMed 3714052 (cited by Rady Children's Institute for Genomic Medicine, Rady Children's Hospital San Diego); PubMed 8309582 (cited by Rady Children's Institute for Genomic Medicine, Rady Children's Hospital San Diego); PubMed 8384721 (cited by Rady Children's Institute for Genomic Medicine, Rady Children's Hospital San Diego); PubMed 8986762 (cited by Rady Children's Institute for Genomic Medicine, Rady Children's Hospital San Diego); PubMed 10506096 (cited by Rady Children's Institute for Genomic Medicine, Rady Children's Hospital San Diego); PubMed 11261421 (cited by Rady Children's Institute for Genomic Medicine, Rady Children's Hospital San Diego); PubMed 11385707 (cited by 3 submitters); PubMed 11752443 (cited by 9 submitters); PubMed 11940682 (cited by Rady Children's Institute for Genomic Medicine, Rady Children's Hospital San Diego); PubMed 14627687 (cited by Rady Children's Institute for Genomic Medicine, Rady Children's Hospital San Diego); PubMed 15079068 (cited by Rady Children's Institute for Genomic Medicine, Rady Children's Hospital San Diego); PubMed 18925456 (cited by Rady Children's Institute for Genomic Medicine, Rady Children's Hospital San Diego); PubMed 19644733 (cited by Rady Children's Institute for Genomic Medicine, Rady Children's Hospital San Diego); PubMed 20301373 (cited by 3 submitters); PubMed 24070600 (cited by Rady Children's Institute for Genomic Medicine, Rady Children's Hospital San Diego); PubMed 26123279 (cited by 5 submitters); PubMed 31368669 (cited by Rady Children's Institute for Genomic Medicine, Rady Children's Hospital San Diego); PubMed 33001386 (cited by Rady Children's Institute for Genomic Medicine, Rady Children's Hospital San Diego); PubMed 37029471 (cited by Rady Children's Institute for Genomic Medicine, Rady Children's Hospital San Diego); PubMed 37869146 (cited by Rady Children's Institute for Genomic Medicine, Rady Children's Hospital San Diego); PubMed 38850014 (cited by Rady Children's Institute for Genomic Medicine, Rady Children's Hospital San Diego); PubMed 16011990 (cited by 3 submitters); PubMed 28102864 (cited by 3 submitters); PubMed 35903975 (cited by Athena Diagnostics); PubMed 9017939 (cited by 4 submitters); PubMed 34729535 (cited by Athena Diagnostics); PubMed 35115086 (cited by Athena Diagnostics); PubMed 34079032 (cited by Athena Diagnostics); PubMed 35377943 (cited by Athena Diagnostics); PubMed 23716704 (cited by Athena Diagnostics and AiLife Diagnostics); PubMed 24073013 (cited by Athena Diagnostics); PubMed 30813263 (cited by Athena Diagnostics); PubMed 26537620 (cited by 3 submitters); PubMed 31821430 (cited by 3 submitters); PubMed 25395306 (cited by Athena Diagnostics); PubMed 24818650 (cited by Athena Diagnostics and AiLife Diagnostics); PubMed 25551524 (cited by 5 submitters); PubMed 25819286 (cited by Illumina Laboratory Services, Illumina and AiLife Diagnostics); PubMed 27386769 (cited by Illumina Laboratory Services, Illumina and AiLife Diagnostics); PubMed 27838833 (cited by Illumina Laboratory Services, Illumina and AiLife Diagnostics); PubMed 31135624 (cited by Illumina Laboratory Services, Illumina); PubMed 33467513 (cited by Illumina Laboratory Services, Illumina); PubMed 12874414 (cited by 6 submitters); PubMed 22184092 (cited by 3 submitters); PubMed 24474780 (cited by 3 submitters); PubMed 20981092 (cited by AiLife Diagnostics); PubMed 32674397 (cited by AiLife Diagnostics); PubMed 22995991 (cited by AiLife Diagnostics); PubMed 26428663 (cited by AiLife Diagnostics); PubMed 31659433 (cited by AiLife Diagnostics); PubMed 24633258 (cited by AiLife Diagnostics); PubMed 27618855 (cited by AiLife Diagnostics); PubMed 25997029 (cited by AiLife Diagnostics); PubMed 26002815 (cited by AiLife Diagnostics); PubMed 32150461 (cited by AiLife Diagnostics); PubMed 31980526 (cited by AiLife Diagnostics); PubMed 23713495 (cited by AiLife Diagnostics); PubMed 28635949 (cited by AiLife Diagnostics); PubMed 27652282 (cited by AiLife Diagnostics); PubMed 31740141 (cited by AiLife Diagnostics); PubMed 29520877 (cited by AiLife Diagnostics); PubMed 22083004 (cited by AiLife Diagnostics and Laboratory for Molecular Medicine, Mass General Brigham Personalized Medicine); PubMed 31554435 (cited by AiLife Diagnostics); PubMed 31371117 (cited by AiLife Diagnostics); PubMed 29764897 (cited by AiLife Diagnostics); PubMed 30093168 (cited by AiLife Diagnostics); PubMed 26017327 (cited by AiLife Diagnostics); PubMed 28475415 (cited by AiLife Diagnostics); PubMed 30938420 (cited by Dasa); PubMed 31359320 (cited by Dasa); PubMed 27720586 (cited by Dasa); PubMed 27758856 (cited by Dasa); PubMed 16439621 (cited by Dasa); PubMed 17551924 (cited by Dasa); PubMed 18042262 (cited by Dasa); PubMed 29493581 (cited by Dasa); PubMed 21600538 (cited by Laboratory for Molecular Medicine, Mass General Brigham Personalized Medicine); PubMed 11752419 (cited by Laboratory for Molecular Medicine, Mass General Brigham Personalized Medicine and OMIM); PubMed 16631014 (cited by Laboratory for Molecular Medicine, Mass General Brigham Personalized Medicine and Women's Health and Genetics/Laboratory Corporation of America, LabCorp); PubMed 14640030 (cited by Laboratory for Molecular Medicine, Mass General Brigham Personalized Medicine); PubMed 24131106 (cited by Laboratory for Molecular Medicine, Mass General Brigham Personalized Medicine); PubMed 24517438 (cited by Laboratory for Molecular Medicine, Mass General Brigham Personalized Medicine); PubMed 27188913 (cited by Laboratory for Molecular Medicine, Mass General Brigham Personalized Medicine); PubMed 15123043 (cited by Women's Health and Genetics/Laboratory Corporation of America, LabCorp); PubMed 2237288 (cited by Women's Health and Genetics/Laboratory Corporation of America, LabCorp); PubMed 12874413 (cited by Women's Health and Genetics/Laboratory Corporation of America, LabCorp); PubMed 16631015 (cited by Women's Health and Genetics/Laboratory Corporation of America, LabCorp); PubMed 18318779 (cited by Women's Health and Genetics/Laboratory Corporation of America, LabCorp); PubMed 18830126 (cited by Women's Health and Genetics/Laboratory Corporation of America, LabCorp); PubMed 16432141 (cited by Women's Health and Genetics/Laboratory Corporation of America, LabCorp); PubMed 2590199 (cited by Women's Health and Genetics/Laboratory Corporation of America, LabCorp); PubMed 1997217 (cited by Women's Health and Genetics/Laboratory Corporation of America, LabCorp); PubMed 10762172 (cited by Women's Health and Genetics/Laboratory Corporation of America, LabCorp); PubMed 14569203 (cited by Women's Health and Genetics/Laboratory Corporation of America, LabCorp); PubMed 12217248 (cited by Women's Health and Genetics/Laboratory Corporation of America, LabCorp); PubMed 10842715 (cited by Women's Health and Genetics/Laboratory Corporation of America, LabCorp); Benson, M. D. Characterization of an amyloid fibril protein in heredofamilial amyloidosis. (Abstract) Clin. Res. 28: 340A, 1980. (cited by OMIM); PubMed 2646319 (cited by OMIM); PubMed 8698351 (cited by OMIM); PubMed 1351039 (cited by OMIM); PubMed 3229002 (cited by OMIM); Snyder, E. L., Nichols, W. C., Liepnieks, J. J., Benson, M. D. Direct evidence for the hereditary nature of senile cardiac (systemic) amyloidosis. (Abstract) Am. J. Hum. Genet. 45 (suppl.): A220, 1989. (cited by OMIM); PubMed 2320592 (cited by OMIM); PubMed 1358785 (cited by OMIM); PubMed 3627183 (cited by OMIM); PubMed 3934968 (cited by OMIM); PubMed 7868124 (cited by OMIM); PubMed 2002274 (cited by OMIM); PubMed 2063870 (cited by OMIM); PubMed 3030336 (cited by OMIM); Buxbaum, J. N. Personal Communication. 1987. New York, N. Y. (cited by OMIM).